The following is an entry in ClinVar:

ClinVar aggregate classification (germline): Uncertain significance. Review status: criteria provided, multiple submitters, no conflicts (2 of 4 stars). 5 submissions from 5 submitters: Uncertain significance (5). Last evaluated 2025-12-09.

Conditions:
Paragangliomas with sensorineural hearing loss. Identifiers: MedGen C1868633.
Pheochromocytoma. Also called: MAX-Related Hereditary Paraganglioma-Pheochromocytoma Syndrome. Identifiers: Orphanet 29072, MedGen C0031511, MONDO:0008233, OMIM 171300, HP:0002666.
Cowden syndrome 3 (CWS3). Identifiers: Orphanet 201, MedGen CN166604, MONDO:0014045.
Carney-Stratakis syndrome. Also called: PARAGANGLIOMA AND GASTROINTESTINAL STROMAL TUMOR. Identifiers: Orphanet 97286, MedGen C1847319, MONDO:0011740, OMIM 606864.
Hereditary cancer-predisposing syndrome. Also called: Neoplastic Syndromes, Hereditary; Hereditary neoplastic syndrome; Tumor predisposition; Hereditary Cancer Syndrome. Identifiers: Orphanet 140162, MedGen C0027672, MeSH D009386, MONDO:0015356.
Hereditary pheochromocytoma and paraganglioma. Also called: Hereditary Paraganglioma-Pheochromocytoma Syndromes; Hereditary paragangliomas and pheochromocytomas; Hereditary pheochromocytoma-paraganglioma. Identifiers: Orphanet 29072, MedGen C4274332, MONDO:0017366.

Allele frequency attached by ClinVar (database versions not stated): gnomAD exomes below 0.00001; TOPMed 0.00002; gnomAD 0.00003.

Submissions (5):

Labcorp Genetics (formerly Invitae), Labcorp
Classification: Uncertain significance for Carney-Stratakis syndrome; Paragangliomas with sensorineural hearing loss; Pheochromocytoma; Cowden syndrome 3. Last evaluated: 2025-12-09. Review status: criteria provided, single submitter. Criteria: Invitae Variant Classification Sherloc (09022015). Collection method: clinical testing. Allele origin: germline.
Comment: This sequence change replaces glutamine, which is neutral and polar, with arginine, which is basic and polar, at codon 36 of the SDHD protein (p.Gln36Arg). This variant is present in population databases (no rsID available, gnomAD 0.007%). This variant has not been reported in the literature in individuals affected with SDHD-related conditions. ClinVar contains an entry for this variant (Variation ID: 412495). Invitae Evidence Modeling of protein sequence and biophysical properties (such as structural, functional, and spatial information, amino acid conservation, physicochemical variation, residue mobility, and thermodynamic stability) indicates that this missense variant is not expected to disrupt SDHD protein function with a negative predictive value of 95%. In summary, the available evidence is currently insufficient to determine the role of this variant in disease. Therefore, it has been classified as a Variant of Uncertain Significance.

Color Diagnostics, LLC DBA Color Health
Classification: Uncertain significance for Hereditary pheochromocytoma and paraganglioma. Last evaluated: 2025-09-11. Review status: criteria provided, single submitter. Criteria: ACMG Guidelines, 2015. Collection method: clinical testing. Allele origin: germline.
Comment: This missense variant replaces glutamine with arginine at codon 36 of the SDHD protein. Computational prediction is inconclusive regarding the impact of this variant on protein structure and function. To our knowledge, functional studies have not been reported for this variant. This variant has not been reported in individuals affected with SDHD-related disorders in the literature. This variant has been identified in 1/31392 chromosomes in the general population by the Genome Aggregation Database (gnomAD). The available evidence is insufficient to determine the role of this variant in disease conclusively. Therefore, this variant is classified as a Variant of Uncertain Significance.

Ambry Genetics
Classification: Uncertain significance for Hereditary cancer-predisposing syndrome. Last evaluated: 2024-10-29. Review status: criteria provided, single submitter. Criteria: Ambry Variant Classification Scheme 2023. Collection method: clinical testing. Allele origin: germline.
Comment: The p.Q36R variant (also known as c.107A>G), located in coding exon 2 of the SDHD gene, results from an A to G substitution at nucleotide position 107. The glutamine at codon 36 is replaced by arginine, an amino acid with highly similar properties. This amino acid position is conserved. In addition, this alteration is predicted to be deleterious by in silico analysis. Since supporting evidence is limited at this time, the clinical significance of this alteration remains unclear.

GeneDx
Classification: Uncertain significance. Last evaluated: 2024-09-27. Review status: criteria provided, single submitter. Criteria: GeneDx Variant Classification Process June 2021. Collection method: clinical testing. Allele origin: germline. Affected: yes.
Comment: Not observed at significant frequency in large population cohorts (gnomAD); In silico analysis supports that this missense variant has a deleterious effect on protein structure/function; Has not been previously published as pathogenic or benign to our knowledge

All of Us Research Program, National Institutes of Health
Classification: Uncertain significance for Hereditary pheochromocytoma and paraganglioma. Last evaluated: 2023-07-13. Review status: criteria provided, single submitter. Criteria: ACMG Guidelines, 2015. Collection method: clinical testing. Allele origin: germline. Inheritance: Autosomal dominant inheritance. Observed: 1 variant allele, 1 heterozygote.
Comment: This missense variant replaces glutamine with arginine at codon 36 of the SDHD protein. Computational prediction is inconclusive regarding the impact of this variant on protein structure and function (internally defined REVEL score threshold 0.5 < inconclusive < 0.7, PMID: 27666373). To our knowledge, functional studies have not been reported for this variant. This variant has not been reported in individuals affected with hereditary cancer in the literature. This variant has been identified in 1/31392 chromosomes in the general population by the Genome Aggregation Database (gnomAD). The available evidence is insufficient to determine the role of this variant in disease conclusively. Therefore, this variant is classified as a Variant of Uncertain Significance.

This study involves interpretation of variants in research participants for the purpose of population health screening. Participant phenotype was not available at the time of variant classification. Additional details can be found in publication PMID: 35346344, PMCID: PMC8962531

NM_003002.4(SDHD):c.107A>G (p.Gln36Arg)

Gene: SDHD (succinate dehydrogenase complex subunit D; plus strand). Cytogenetic location: 11q23.1.
Variant type: single nucleotide variant.
Coding change: c.107A>G on transcript NM_003002.4 (MANE Select); coding-DNA position 107, A replaced by G.
Protein change: p.Gln36Arg; replaces glutamine 36 with arginine.
Molecular consequence: missense variant. On other transcripts: non-coding transcript variant (1), intron variant (1).
Genome position (GRCh38, 1-based): chr11:112,087,911, A>G. VCF-style: chr11-112087911-A-G. GRCh37 (hg19) VCF-style: chr11-111958635-A-G.
Other names: c.107A>G, p.Gln36Arg (NM_001276503.2, NM_001276506.2); c.52+952A>G (NM_001276504.2); short protein forms Q36R.
Identifiers: ClinVar variation 412495 (VCV000412495.20), dbSNP rs759143732, ClinGen allele CA16613211.